The following is an entry in ClinVar:

ClinVar aggregate classification (germline): Uncertain significance (1 of 4 stars; one submission).

Submission:

GeneDx
Classification: Uncertain significance. Last evaluated: 2024-07-03. Review status: criteria provided, single submitter. Criteria: GeneDx Variant Classification Process June 2021. Collection method: clinical testing. Allele origin: germline. Affected: yes.
Comment: Not observed at significant frequency in large population cohorts (gnomAD); In silico analysis supports that this missense variant has a deleterious effect on protein structure/function; In silico analysis supports a deleterious effect on splicing; Has not been previously published as pathogenic or benign to our knowledge

NM_003660.4(PPFIA3):c.1025A>G (p.Gln342Arg)

Gene: PPFIA3 (PTPRF interacting protein alpha 3; plus strand). Cytogenetic location: 19q13.33.
Variant type: single nucleotide variant.
Coding change: c.1025A>G on transcript NM_003660.4 (MANE Select); coding-DNA position 1025, A replaced by G.
Protein change: p.Gln342Arg; replaces glutamine 342 with arginine.
Molecular consequence: missense variant. On other transcripts: non-coding transcript variant (1).
Genome position (GRCh38, 1-based): chr19:49,133,146, A>G. VCF-style: chr19-49133146-A-G. GRCh37 (hg19) VCF-style: chr19-49636403-A-G.
Other names: short protein forms Q342R.
Identifiers: ClinVar variation 3393870 (VCV003393870.1).
Genomic context (GRCh38, chr19:49,133,146, plus strand): 5'-TGCACGACGCCAACGACAAACTGGAGAACGAGTTAGCTAGCAAGGAGTCGTTGTATCGGC[A>G]GGTGGGGGCGCGGCCGGGAGGGGCGATGGGGGCGGTGCCGGGGCCCAAGTGACCCAGCCC-3'
Protein context (NP_003651.1, residues 332-352): ELASKESLYR[Gln342Arg]SEEKSRQLAE